The following is an entry in ClinVar:

ClinVar aggregate classification (germline): Pathogenic (1 of 4 stars; one submission).

Conditions:
Ehlers-Danlos syndrome due to tenascin-X deficiency (EDSCLL1). Also called: Ehlers-Danlos syndrome, classic-like, 1; EHLERS-DANLOS SYNDROME, CLASSIC-LIKE; TNXB-Related Classical-Like Ehlers-Danlos Syndrome; EDS DUE TO TNX DEFICIENCY; TNX DEFICIENCY. Identifiers: Orphanet 230839, MedGen C1848029, MONDO:0011670, OMIM 606408.

Submission:

Myriad Genetics, Inc.
Classification: Pathogenic for Ehlers-Danlos syndrome due to tenascin-X deficiency. Last evaluated: 2024-07-21. Review status: criteria provided, single submitter. Criteria: Myriad Autosomal Dominant, Autosomal Recessive and X-Linked Classification Criteria (2023). Collection method: clinical testing. Allele origin: unknown.
Comment: NM_019105.6(TNXB):c.1536C>A(C512*) is expected to be pathogenic in the context of classical-like Ehlers-Danlos syndrome, TNXB-related. This variant is predicted to lead to an abnormal or absent protein product due to the creation of a premature termination codon in TNXB, a gene where loss-of-function variants are known to be pathogenic. Please note: this variant was assessed in the context of healthy population screening.

NM_001365276.2(TNXB):c.1536C>A (p.Cys512Ter)

Gene: TNXB (tenascin XB; minus strand). Cytogenetic location: 6p21.33.
Variant type: single nucleotide variant.
Coding change: c.1536C>A on transcript NM_001365276.2 (MANE Select); coding-DNA position 1536, C replaced by A.
Protein change: p.Cys512Ter; replaces cysteine 512 with a stop codon.
Molecular consequence: nonsense.
Genome position (GRCh38, 1-based): chr6:32,096,317, G>T on the plus strand (C>A on the coding strand, the complement: TNXB is on the minus strand). VCF-style: chr6-32096317-G-T. GRCh37 (hg19) VCF-style: chr6-32064094-G-T.
Other names: c.1536C>A, p.Cys512Ter (NM_001428335.1, NM_019105.8); short protein forms C512*.
Identifiers: ClinVar variation 5013341 (VCV005013341.1).